The following is an entry in ClinVar:

NM_024675.4(PALB2):c.3066_3067delinsAT (p.Met1022_Gln1023delinsIleTer)

Gene: PALB2 (partner and localizer of BRCA2; minus strand). Cytogenetic location: 16p12.2.
Variant type: Indel.
Coding change: c.3066_3067delinsAT on transcript NM_024675.4 (MANE Select); coding-DNA positions 3066 to 3067, GC replaced by AT.
Protein change: p.Met1022_Gln1023delinsIleTer.
Molecular consequence: nonsense. On other transcripts: intron variant (1).
Genome position (GRCh38, 1-based): chr16:23,621,408-23,621,409, GC replaced by AT on the plus strand (GC replaced by AT on the coding strand, the reverse complement: PALB2 is on the minus strand). VCF-style: chr16-23621408-GC-AT. GRCh37 (hg19) VCF-style: chr16-23632729-GC-AT.
Other names: c.3006_3007delinsAT, p.Met1002_Gln1003delinsIleTer (NM_001407296.1); c.2994_2995delinsAT, p.Met998_Gln999delinsIleTer (NM_001407297.1); c.2904_2905delinsAT, p.Met968_Gln969delinsIleTer (NM_001407298.1, NM_001407302.1); c.3066_3067delinsAT, p.Met1022_Gln1023delinsIleTer (NM_001407299.1, NM_001407301.1); c.2181_2182delinsAT, p.Met727_Gln728delinsIleTer (NM_001407304.1, NM_001407305.1, NM_001407306.1 and 4 more transcripts); c.2019_2020delinsAT, p.Met673_Gln674delinsIleTer (NM_001407307.1); c.1278_1279delinsAT, p.Met426_Gln427delinsIleTer (NM_001407312.1, NM_001407313.1); c.600_601delinsAT, p.Met200_Gln201delinsIleTer (NM_001407314.1); and 1 more.
Identifiers: ClinVar variation 3379250 (VCV003379250.1).

ClinVar aggregate classification (germline): Pathogenic (1 of 4 stars; one submission).

Conditions:
Familial cancer of breast. Also called: hereditary breast carcinoma; Hereditary breast cancer; BREAST CANCER, FAMILIAL. Identifiers: Orphanet 227535, MedGen C0346153, MONDO:0016419, OMIM 114480. Disease mechanism: loss of function.

Submission:

Myriad Genetics, Inc.
Classification: Pathogenic for Familial cancer of breast. Last evaluated: 2024-07-22. Review status: criteria provided, single submitter. Criteria: Myriad Autosomal Dominant, Autosomal Recessive and X-Linked Classification Criteria (2023). Collection method: clinical testing. Allele origin: unknown.
Comment: This variant is considered pathogenic. This variant creates a termination codon and is predicted to result in premature protein truncation.